The following is an entry in ClinVar:

NM_001195263.2(PDZD7):c.1890G>A (p.Met630Ile)

Gene: PDZD7 (PDZ domain containing 7; minus strand). Cytogenetic location: 10q24.31.
Variant type: single nucleotide variant.
Coding change: c.1890G>A on transcript NM_001195263.2 (MANE Select); coding-DNA position 1890, G replaced by A.
Protein change: p.Met630Ile; replaces methionine 630 with isoleucine.
Molecular consequence: missense variant.
Genome position (GRCh38, 1-based): chr10:101,011,968, C>T on the plus strand (G>A on the coding strand, the complement: PDZD7 is on the minus strand). VCF-style: chr10-101011968-C-T. GRCh37 (hg19) VCF-style: chr10-102771725-C-T.
Other names: short protein forms M630I.
Identifiers: ClinVar variation 1500532 (VCV001500532.6), dbSNP rs2134004302, ClinGen allele CA378226260.

ClinVar aggregate classification (germline): Uncertain significance (1 of 4 stars; one submission).

Allele frequency attached by ClinVar (database versions not stated): gnomAD exomes below 0.00001.
gnomAD v4.1: 1 of 1,550,484 alleles (0.000064%); highest among the groups gnomAD compares: Non-Finnish European, 0.000087%; no homozygotes.

Submission:

Labcorp Genetics (formerly Invitae), Labcorp
Classification: Uncertain significance. Last evaluated: 2023-03-10. Review status: criteria provided, single submitter. Criteria: Invitae Variant Classification Sherloc (09022015). Collection method: clinical testing. Allele origin: germline.
Comment: In summary, the available evidence is currently insufficient to determine the role of this variant in disease. Therefore, it has been classified as a Variant of Uncertain Significance. Advanced modeling of protein sequence and biophysical properties (such as structural, functional, and spatial information, amino acid conservation, physicochemical variation, residue mobility, and thermodynamic stability) performed at Invitae indicates that this missense variant is not expected to disrupt PDZD7 protein function. ClinVar contains an entry for this variant (Variation ID: 1500532). This variant is not present in population databases (gnomAD no frequency). This sequence change replaces methionine, which is neutral and non-polar, with isoleucine, which is neutral and non-polar, at codon 630 of the PDZD7 protein (p.Met630Ile). This variant has not been reported in the literature in individuals affected with PDZD7-related conditions.